The following is an entry in ClinVar:

NM_203447.4(DOCK8):c.874G>T (p.Asp292Tyr)

Gene: DOCK8 (dedicator of cytokinesis 8; plus strand). Cytogenetic location: 9p24.3.
Variant type: single nucleotide variant.
Coding change: c.874G>T on transcript NM_203447.4 (MANE Select); coding-DNA position 874, G replaced by T.
Protein change: p.Asp292Tyr; replaces aspartic acid 292 with tyrosine.
Molecular consequence: missense variant.
Genome position (GRCh38, 1-based): chr9:325,717, G>T. VCF-style: chr9-325717-G-T. GRCh37 (hg19) VCF-style: chr9-325717-G-T.
Other names: c.670G>T, p.Asp224Tyr (NM_001190458.2, NM_001193536.2); short protein forms D224Y, D292Y.
Identifiers: ClinVar variation 859649 (VCV000859649.12), dbSNP rs563721489, ClinGen allele CA372750918.

ClinVar aggregate classification (germline): Uncertain significance (1 of 4 stars; one submission).

Conditions:
Combined immunodeficiency due to DOCK8 deficiency (HIES2). Also called: HIES autosomal recessive; DOCK8 Deficiency; Hyper-IgE recurrent infection syndrome, autosomal recessive; HYPER-IgE RECURRENT INFECTION SYNDROME 2, AUTOSOMAL RECESSIVE; HYPER-IgE SYNDROME 2, AUTOSOMAL RECESSIVE, WITH RECURRENT INFECTIONS. Identifiers: Orphanet 217390, MedGen C4722305, MONDO:0009478, OMIM 243700.

gnomAD v4.1: 1 of 1,613,952 alleles (0.000062%); highest among the groups gnomAD compares: Non-Finnish European, 0.000085%; no homozygotes.

Submission:

Labcorp Genetics (formerly Invitae), Labcorp
Classification: Uncertain significance for Combined immunodeficiency due to DOCK8 deficiency. Last evaluated: 2022-02-08. Review status: criteria provided, single submitter. Criteria: Invitae Variant Classification Sherloc (09022015). Collection method: clinical testing. Allele origin: germline.
Comment: This sequence change replaces aspartic acid, which is acidic and polar, with tyrosine, which is neutral and polar, at codon 292 of the DOCK8 protein (p.Asp292Tyr). This variant is not present in population databases (gnomAD no frequency). This variant has not been reported in the literature in individuals affected with DOCK8-related conditions. ClinVar contains an entry for this variant (Variation ID: 859649). Algorithms developed to predict the effect of missense changes on protein structure and function are either unavailable or do not agree on the potential impact of this missense change (SIFT: "Deleterious"; PolyPhen-2: "Probably Damaging"; Align-GVGD: "Class C15"). In summary, the available evidence is currently insufficient to determine the role of this variant in disease. Therefore, it has been classified as a Variant of Uncertain Significance.